The following is an entry in ClinVar:

ClinVar aggregate classification (germline): Uncertain significance. Review status: criteria provided, multiple submitters, no conflicts (2 of 4 stars). 2 submissions from 2 submitters: Uncertain significance (2). Last evaluated 2026-03-10.

Submissions (2):

GeneDx
Classification: Uncertain significance. Last evaluated: 2026-03-10. Review status: criteria provided, single submitter. Criteria: GeneDx Variant Classification Process June 2021. Collection method: clinical testing. Allele origin: germline.
Comment: Not observed at significant frequency in large population cohorts (gnomAD); In silico analysis supports that this missense variant has a deleterious effect on protein structure/function; Has not been previously published as pathogenic or benign to our knowledge

Labcorp Genetics (formerly Invitae), Labcorp
Classification: Uncertain significance. Last evaluated: 2022-03-20. Review status: criteria provided, single submitter. Criteria: Invitae Variant Classification Sherloc (09022015). Collection method: clinical testing. Allele origin: germline.
Comment: In summary, the available evidence is currently insufficient to determine the role of this variant in disease. Therefore, it has been classified as a Variant of Uncertain Significance. Algorithms developed to predict the effect of missense changes on protein structure and function (SIFT, PolyPhen-2, Align-GVGD) all suggest that this variant is likely to be tolerated. This variant has not been reported in the literature in individuals affected with BPTF-related conditions. This variant is not present in population databases (gnomAD no frequency). This sequence change replaces histidine, which is basic and polar, with glutamine, which is neutral and polar, at codon 800 of the BPTF protein (p.His800Gln).

NM_182641.4(BPTF):c.2022T>A (p.His674Gln)

Gene: BPTF (bromodomain PHD finger transcription factor; plus strand). Cytogenetic location: 17q24.2.
Variant type: single nucleotide variant.
Coding change: c.2022T>A on transcript NM_182641.4 (MANE Select); coding-DNA position 2022, T replaced by A.
Protein change: p.His674Gln; replaces histidine 674 with glutamine.
Molecular consequence: missense variant.
Genome position (GRCh38, 1-based): chr17:67,892,001, T>A. VCF-style: chr17-67892001-T-A. GRCh37 (hg19) VCF-style: chr17-65888117-T-A.
Other names: c.2400T>A, p.His800Gln (NM_004459.7); c.2400T>A (NM_004459.6); short protein forms H674Q, H800Q.
Identifiers: ClinVar variation 2115250 (VCV002115250.5), dbSNP rs750639341, ClinGen allele CA400718043.
Genomic context (GRCh38, chr17:67,892,001, plus strand): 5'-GCGGAATCCAGATAGCAAACTTAGTCAGCTGAAGAGCCAGCAGGTGGCAGCCGCTGCACA[T>A]GAAGCAAATAAATTATTTAAGGAGGGCAAAGAGGTGTGTTCTTTCTGTTTAAAACAAAAA-3'
Protein context (NP_872579.2, residues 664-684): LKSQQVAAAA[His674Gln]EANKLFKEGK